The following is an entry in ClinVar:

NM_000334.4(SCN4A):c.4696G>A (p.Gly1566Ser)

Genes: GH-LCR (growth hormone locus control region; plus strand), SCN4A (sodium voltage-gated channel alpha subunit 4; minus strand). Cytogenetic location: 17q23.3.
Variant type: single nucleotide variant.
Coding change: c.4696G>A on transcript NM_000334.4 (MANE Select); coding-DNA position 4696, G replaced by A.
Protein change: p.Gly1566Ser; replaces glycine 1566 with serine.
Molecular consequence: missense variant.
Genome position (GRCh38, 1-based): chr17:63,941,586, C>T on the plus strand (G>A on the coding strand, the complement: SCN4A is on the minus strand). VCF-style: chr17-63941586-C-T. GRCh37 (hg19) VCF-style: chr17-62018946-C-T.
Other names: short protein forms G1566S.
Identifiers: ClinVar variation 1359321 (VCV001359321.6), dbSNP rs1908533993, ClinGen allele CA400615385.
Genomic context (GRCh38, chr17:63,941,586, plus strand): 5'-AGGAGATGATGATATAGCTGCAGAAGAAGCAGATGCCGATGGAGGGGTTGCCGCAGTCAC[C>T]CTTGACACTGGTGCCCGGGTTCTCCAGGTTGGGGTCACAGTCTGGGGGCCCGCTGTTGAG-3'
Protein context (NP_000325.4, residues 1556-1576): NLENPGTSVK[Gly1566Ser]DCGNPSIGIC

ClinVar aggregate classification (germline): Uncertain significance (1 of 4 stars; one submission).

Conditions:
Hyperkalemic periodic paralysis. Also called: Familial hyperkalemic periodic paralysis; Gamstorp disease. Identifiers: Orphanet 682, MedGen C0238357, MONDO:0008224, OMIM 170500, HP:0007215.

Allele frequency attached by ClinVar (database versions not stated): gnomAD exomes below 0.00001.
gnomAD v4.1: 1 of 1,614,064 alleles (0.000062%); highest among the groups gnomAD compares: African/African-American, 0.0013%; no homozygotes.

Submission:

Labcorp Genetics (formerly Invitae), Labcorp
Classification: Uncertain significance for Hyperkalemic periodic paralysis. Last evaluated: 2022-03-18. Review status: criteria provided, single submitter. Criteria: Invitae Variant Classification Sherloc (09022015). Collection method: clinical testing. Allele origin: germline.
Comment: This variant is not present in population databases (gnomAD no frequency). In summary, the available evidence is currently insufficient to determine the role of this variant in disease. Therefore, it has been classified as a Variant of Uncertain Significance. Algorithms developed to predict the effect of missense changes on protein structure and function (SIFT, PolyPhen-2, Align-GVGD) all suggest that this variant is likely to be disruptive. This variant has not been reported in the literature in individuals affected with SCN4A-related conditions. This sequence change replaces glycine, which is neutral and non-polar, with serine, which is neutral and polar, at codon 1566 of the SCN4A protein (p.Gly1566Ser).